The following is an entry in ClinVar:

NM_000161.3(GCH1):c.*1130C>G

Gene: GCH1 (GTP cyclohydrolase 1; minus strand). Cytogenetic location: 14q22.2.
Variant type: single nucleotide variant.
Coding change: c.*1130C>G on transcript NM_000161.3 (MANE Select); 1130 bases downstream of the stop codon, C replaced by G.
Molecular consequence: 3 prime UTR variant.
Genome position (GRCh38, 1-based): chr14:54,842,887, G>C on the plus strand (C>G on the coding strand, the complement: GCH1 is on the minus strand). VCF-style: chr14-54842887-G-C. GRCh37 (hg19) VCF-style: chr14-55309605-G-C.
Other names: c.*184C>G (NM_001024024.2); c.*180C>G (NM_001024070.2); c.*152C>G (NM_001024071.2).
Identifiers: ClinVar variation 313371 (VCV000313371.5), dbSNP rs543818323, ClinGen allele CA10640302.

ClinVar aggregate classification (germline): Benign/Likely benign. Review status: criteria provided, single submitter (1 of 4 stars). 2 submissions from 1 submitter: Benign (1); Likely benign (1). Last evaluated 2018-01-13.

Conditions:
GTP cyclohydrolase I deficiency. Identifiers: MedGen C0268467, MONDO:0100184.
Dystonia 5 (DRD). Also called: DYSTONIA, PROGRESSIVE, WITH DIURNAL VARIATION; DYSTONIA-PARKINSONISM WITH DIURNAL FLUCTUATION; Dystonia, DOPA-responsive, with or without hyperphenylalaninemia; GTP Cyclohydrolase 1-Deficient Dopa-Responsive Dystonia; DYT-GCH1. Identifiers: Orphanet 98808, MedGen C1851920, MONDO:0007495, OMIM 128230.

Allele frequency attached by ClinVar (database versions not stated): gnomAD 0.00029 and 0.00031; TOPMed 0.00038; 1000 Genomes Project 0.00060; 1000 Genomes Project 30x 0.00062.
gnomAD v4.1: 58 of 569,256 alleles (0.01%); highest among the groups gnomAD compares: African/African-American, 0.093%; no homozygotes.

Submissions (2):

Illumina Laboratory Services, Illumina
Classification: Benign for Dystonia 5. Last evaluated: 2018-01-13. Review status: criteria provided, single submitter. Criteria: ICSL Variant Classification Criteria 13 December 2019. Collection method: clinical testing. Allele origin: germline.
Comment: This variant was observed in the ICSL laboratory as part of a predisposition screen in an ostensibly healthy population. It had not been previously curated by ICSL or reported in the Human Gene Mutation Database (HGMD: prior to June 1st, 2018), and was therefore a candidate for classification through an automated scoring system. Utilizing variant allele frequency, disease prevalence and penetrance estimates, and inheritance mode, an automated score was calculated to assess if this variant is too frequent to cause the disease. Based on the score and internal cut-off values, a variant classified as benign is not then subjected to further curation. The score for this variant resulted in a classification of benign for this disease.

Illumina Laboratory Services, Illumina
Classification: Likely benign for GTP cyclohydrolase I deficiency with hyperphenylalaninemia. Last evaluated: 2018-01-13. Review status: criteria provided, single submitter. Criteria: ICSL Variant Classification Criteria 13 December 2019. Collection method: clinical testing. Allele origin: germline.
Comment: This variant was observed in the ICSL laboratory as part of a predisposition screen in an ostensibly healthy population. It had not been previously curated by ICSL or reported in the Human Gene Mutation Database (HGMD: prior to June 1st, 2018), and was therefore a candidate for classification through an automated scoring system. Utilizing variant allele frequency, disease prevalence and penetrance estimates, and inheritance mode, an automated score was calculated to assess if this variant is too frequent to cause the disease. Based on the score and internal cut-off values, a variant classified as likely benign is not then subjected to further curation. The score for this variant resulted in a classification of likely benign for this disease.